The following is an entry in ClinVar:

ClinVar aggregate classification (germline): Uncertain significance (1 of 4 stars; one submission).

Conditions:
Lethal multiple pterygium syndrome (LMPS). Identifiers: Orphanet 33108, MedGen C1854678, MONDO:0009668, OMIM 253290.

Allele frequency attached by ClinVar (database versions not stated): ExAC 0.00001; gnomAD 0.00001; gnomAD exomes 0.00001; TOPMed 0.00002.
gnomAD v4.1: 20 of 1,599,728 alleles (0.0013%); highest among the groups gnomAD compares: Non-Finnish European, 0.0017%; no homozygotes.

Submission:

Labcorp Genetics (formerly Invitae), Labcorp
Classification: Uncertain significance for Lethal multiple pterygium syndrome. Last evaluated: 2025-12-03. Review status: criteria provided, single submitter. Criteria: Invitae Variant Classification Sherloc (09022015). Collection method: clinical testing. Allele origin: germline.
Comment: This sequence change replaces methionine, which is neutral and non-polar, with threonine, which is neutral and polar, at codon 263 of the CHRNA1 protein (p.Met263Thr). This variant is present in population databases (rs755345794, gnomAD 0.002%). This variant has not been reported in the literature in individuals affected with CHRNA1-related conditions. ClinVar contains an entry for this variant (Variation ID: 2053191). Invitae Evidence Modeling of protein sequence and biophysical properties (such as structural, functional, and spatial information, amino acid conservation, physicochemical variation, residue mobility, and thermodynamic stability) indicates that this missense variant is not expected to disrupt CHRNA1 protein function with a negative predictive value of 80%. In summary, the available evidence is currently insufficient to determine the role of this variant in disease. Therefore, it has been classified as a Variant of Uncertain Significance.

NM_000079.4(CHRNA1):c.788T>C (p.Met263Thr)

Gene: CHRNA1 (cholinergic receptor nicotinic alpha 1 subunit; minus strand). Cytogenetic location: 2q31.1.
Variant type: single nucleotide variant.
Coding change: c.788T>C on transcript NM_000079.4 (MANE Select); coding-DNA position 788, T replaced by C.
Protein change: p.Met263Thr; replaces methionine 263 with threonine.
Molecular consequence: missense variant.
Genome position (GRCh38, 1-based): chr2:174,750,160, A>G on the plus strand (T>C on the coding strand, the complement: CHRNA1 is on the minus strand). VCF-style: chr2-174750160-A-G. GRCh37 (hg19) VCF-style: chr2-175614888-A-G.
Other names: c.863T>C, p.Met288Thr (NM_001039523.3); short protein forms M288T, M263T.
Identifiers: ClinVar variation 2053191 (VCV002053191.4), dbSNP rs755345794, ClinGen allele CA1974446.